The following is an entry in ClinVar:

NM_001008216.2(GALE):c.795+2T>C

Gene: GALE (UDP-galactose-4-epimerase; minus strand). Cytogenetic location: 1p36.11.
Variant type: single nucleotide variant.
Coding change: c.795+2T>C on transcript NM_001008216.2 (MANE Select); the canonical splice donor site of the intron after coding-DNA position 795, T replaced by C.
Molecular consequence: splice donor variant.
Genome position (GRCh38, 1-based): chr1:23,796,695, A>G on the plus strand (T>C on the coding strand, the complement: GALE is on the minus strand). VCF-style: chr1-23796695-A-G. GRCh37 (hg19) VCF-style: chr1-24123185-A-G.
Other names: c.795+2T>C (NM_000403.4, NM_001127621.2).
Identifiers: ClinVar variation 3033406 (VCV003033406.2), dbSNP rs777545175, ClinGen allele CA685548.

ClinVar aggregate classification (germline): Uncertain significance (0 of 4 stars; one submission).

Conditions:
GALE-related disorder. Also called: GALE-related condition.

gnomAD v4.1: 1 of 1,612,518 alleles (0.000062%); highest among the groups gnomAD compares: Non-Finnish European, 0.000085%; no homozygotes.

Submission:

PreventionGenetics, part of Exact Sciences
Classification: Uncertain significance for GALE-related condition. Last evaluated: 2023-10-19. Review status: no assertion criteria provided. Collection method: clinical testing. Allele origin: germline.
Comment: The GALE c.795+2T>C variant is predicted to disrupt the GT donor site and interfere with normal splicing. To our knowledge, this variant has not been reported in the literature. This variant is reported in 0.0055% of alleles in individuals of East Asian descent in gnomAD. Very few splicing or other predicted loss-of-function variants in GALE have been reported in the literature, and most of those that have been reported are located upstream of this variant. Although we suspect that this variant may be pathogenic, at this time, the clinical significance of this variant is uncertain due to the absence of conclusive functional and genetic evidence.